The following is an entry in ClinVar:

NM_198253.3(TERT):c.5C>T (p.Pro2Leu)

Genes: TERT (telomerase reverse transcriptase; minus strand), LOC110806263 (TERT 5' regulatory region; plus strand). Cytogenetic location: 5p15.33.
Variant type: single nucleotide variant.
Coding change: c.5C>T on transcript NM_198253.3 (MANE Select); coding-DNA position 5, C replaced by T.
Protein change: p.Pro2Leu; replaces proline 2 with leucine.
Molecular consequence: missense variant. On other transcripts: non-coding transcript variant (2).
Genome position (GRCh38, 1-based): chr5:1,294,985, G>A on the plus strand (C>T on the coding strand, the complement: TERT is on the minus strand). VCF-style: chr5-1294985-G-A. GRCh37 (hg19) VCF-style: chr5-1295100-G-A.
Other names: c.5C>T, p.Pro2Leu (NM_001193376.3); short protein forms P2L.
Identifiers: ClinVar variation 1000839 (VCV001000839.9), dbSNP rs1751303315, ClinGen allele CA359060090.

ClinVar aggregate classification (germline): Uncertain significance (1 of 4 stars; one submission).

Conditions:
Idiopathic Pulmonary Fibrosis. Also called: Idiopathic fibrosing alveolitis, chronic form; idiopathic fibrosing alveolitis. Identifiers: Orphanet 2032, MedGen C1800706, MeSH D054990, MONDO:0800504.
Dyskeratosis congenita, autosomal dominant 2. Identifiers: MedGen C3151443, MONDO:0013521, OMIM 613989.

gnomAD v4.1: 1 of 1,320,526 alleles (0.000076%); highest among the groups gnomAD compares: Non-Finnish European, 0.000096%; no homozygotes.

Submission:

Labcorp Genetics (formerly Invitae), Labcorp
Classification: Uncertain significance for Dyskeratosis congenita, autosomal dominant 2; Idiopathic Pulmonary Fibrosis. Last evaluated: 2020-07-10. Review status: criteria provided, single submitter. Criteria: Invitae Variant Classification Sherloc (09022015). Collection method: clinical testing. Allele origin: germline.
Comment: In summary, the available evidence is currently insufficient to determine the role of this variant in disease. Therefore, it has been classified as a Variant of Uncertain Significance. The frequency data for this variant in the population databases is considered unreliable, as metrics indicate insufficient coverage at this position in the ExAC database. This variant has not been reported in the literature in individuals with TERT-related conditions. This sequence change replaces proline with leucine at codon 2 of the TERT protein (p.Pro2Leu). The proline residue is weakly conserved and there is a moderate physicochemical difference between proline and leucine. Algorithms developed to predict the effect of missense changes on protein structure and function output the following: SIFT: "Tolerated"; PolyPhen-2: "Benign"; Align-GVGD: "Class C0". The leucine amino acid residue is found in multiple mammalian species, suggesting that this missense change does not adversely affect protein function. These predictions have not been confirmed by published functional studies and their clinical significance is uncertain.